The following is an entry in ClinVar:

NM_001211.6(BUB1B):c.1691C>T (p.Ser564Leu)

Gene: BUB1B (BUB1 mitotic checkpoint serine/threonine kinase B; plus strand). Cytogenetic location: 15q15.1.
Variant type: single nucleotide variant.
Coding change: c.1691C>T on transcript NM_001211.6 (MANE Select); coding-DNA position 1691, C replaced by T.
Protein change: p.Ser564Leu; replaces serine 564 with leucine.
Molecular consequence: missense variant.
Genome position (GRCh38, 1-based): chr15:40,202,651, C>T. VCF-style: chr15-40202651-C-T. GRCh37 (hg19) VCF-style: chr15-40494852-C-T.
Other names: short protein forms S564L.
Identifiers: ClinVar variation 3262237 (VCV003262237.1).

ClinVar aggregate classification (germline): Uncertain significance (1 of 4 stars; one submission).

Conditions:
Inborn genetic diseases. Identifiers: MedGen C0950123, MeSH D030342.

Submission:

Ambry Genetics
Classification: Uncertain significance for Inborn genetic diseases. Last evaluated: 2024-04-11. Review status: criteria provided, single submitter. Criteria: Ambry Variant Classification Scheme 2023. Collection method: clinical testing. Allele origin: germline.
Comment: The p.S564L variant (also known as c.1691C>T), located in coding exon 14 of the BUB1B gene, results from a C to T substitution at nucleotide position 1691. The serine at codon 564 is replaced by leucine, an amino acid with dissimilar properties. This amino acid position is conserved. In addition, this alteration is predicted to be tolerated by in silico analysis. Based on the available evidence, the clinical significance of this variant remains unclear.